The following is an entry in ClinVar:

ClinVar aggregate classification (germline): Pathogenic. Review status: reviewed by expert panel (3 of 4 stars). 7 submissions from 7 submitters: Pathogenic (1). 6 of the submissions do not count toward it. Last evaluated 2016-10-18.

Conditions:
Hereditary cancer-predisposing syndrome. Also called: Tumor predisposition; Neoplastic Syndromes, Hereditary; Hereditary Cancer Syndrome; Hereditary neoplastic syndrome. Identifiers: Orphanet 140162, MedGen C0027672, MeSH D009386, MONDO:0015356.
Hereditary breast ovarian cancer syndrome. Also called: Hereditary breast and ovarian cancer syndrome (HBOC); Hereditary breast and ovarian cancer syndrome; Hereditary breast and ovarian cancer; Hereditary breast and/or ovarian cancer syndrome; Breast and ovarian cancer; BRCA1- and BRCA2-Associated Hereditary Breast and Ovarian Cancer. Identifiers: Orphanet 145, MedGen C0677776, MeSH D061325, MONDO:0003582. Disease mechanism: loss of function.
Breast-ovarian cancer, familial, susceptibility to, 1 (BROVCA1). Also called: OVARIAN CANCER, SUSCEPTIBILITY TO; BRCA1 Hereditary Breast and Ovarian Cancer. Identifiers: Orphanet 145, MedGen C2676676, MONDO:0011450, OMIM 604370. Disease mechanism: loss of function.

Submissions (7):

Evidence-based Network for the Interpretation of Germline Mutant Alleles (ENIGMA)
Classification: Pathogenic for Breast-ovarian cancer, familial, susceptibility to, 1. Last evaluated: 2016-10-18. Review status: reviewed by expert panel. Criteria: ENIGMA BRCA1/2 Classification Criteria (2015). Collection method: curation. Allele origin: germline.
Comment: Variant allele predicted to encode a truncated non-functional protein.

Labcorp Genetics (formerly Invitae), Labcorp
Classification: Pathogenic for Hereditary breast ovarian cancer syndrome. Last evaluated: 2025-10-02. Review status: criteria provided, single submitter. Criteria: Invitae Variant Classification Sherloc (09022015). Collection method: clinical testing. Allele origin: germline. Not counted in ClinVar's aggregate classification.
Comment: This sequence change creates a premature translational stop signal (p.Val738Lysfs*14) in the BRCA1 gene. It is expected to result in an absent or disrupted protein product. Loss-of-function variants in BRCA1 are known to be pathogenic (PMID: 20104584). This variant is not present in population databases (gnomAD no frequency). This premature translational stop signal has been observed in individual(s) with breast and/or ovarian cancer (PMID: 9150151, 29446198). This variant is also known as 2331del4. ClinVar contains an entry for this variant (Variation ID: 54502). For these reasons, this variant has been classified as Pathogenic.

Laboratorio de Genetica e Diagnostico Molecular, Hospital Israelita Albert Einstein
Classification: Pathogenic for Breast-ovarian cancer, familial, susceptibility to, 1. Last evaluated: 2021-12-23. Review status: criteria provided, single submitter. Criteria: ACMG Guidelines, 2015. Collection method: clinical testing. Allele origin: germline. Affected: yes. Not counted in ClinVar's aggregate classification.
Comment: ACMG classification criteria: PVS1 very strong, PS4 supporting, PM2 moderate

GeneDx
Classification: Pathogenic. Last evaluated: 2020-11-30. Review status: criteria provided, single submitter. Criteria: GeneDx Variant Classification Process June 2021. Collection method: clinical testing. Allele origin: germline. Affected: yes. Not counted in ClinVar's aggregate classification.
Comment: Frameshift variant predicted to result in protein truncation or nonsense mediated decay in a gene for which loss-of-function is a known mechanism of disease; Not observed in large population cohorts (Lek 2016); Truncating variants in this gene are considered pathogenic by a well-established clinical consortium and/or database; Observed in individuals with personal and family history consistent with pathogenic variants in this gene (Peelen 1997); Also known as 2331del4; This variant is associated with the following publications: (PMID: 21305653, 9150151)

Color Diagnostics, LLC DBA Color Health
Classification: Pathogenic for Hereditary cancer-predisposing syndrome. Last evaluated: 2020-01-15. Review status: criteria provided, single submitter. Criteria: ACMG Guidelines, 2015. Collection method: clinical testing. Allele origin: germline. Not counted in ClinVar's aggregate classification.
Comment: This variant deletes 4 nucleotides in exon 10 of the BRCA1 gene, creating a frameshift and premature translation stop signal. This variant is expected to result in an absent or non-functional protein product. This variant has not been identified in the general population by the Genome Aggregation Database (gnomAD). Loss of BRCA1 function is a known mechanism of disease. Based on the available evidence, this variant is classified as Pathogenic.

Ambry Genetics
Classification: Pathogenic for Hereditary cancer-predisposing syndrome. Last evaluated: 2016-05-23. Review status: criteria provided, single submitter. Criteria: Ambry Variant Classification Scheme 2023. Collection method: clinical testing. Allele origin: germline. Not counted in ClinVar's aggregate classification.
Comment: The c.2212_2215delGTTA pathogenic mutation, located in coding exon 9 of the BRCA1 gene, results from a deletion of 4 nucleotides between nucleotide positions 2212 and 2215, causing a translational frameshift with a predicted alternate stop codon. This alteration, designated as 2331del4, was identified in cohort of Dutch and Beligian HBOC families (Peelen T, Am. J. Hum. Genet. 1997 May; 60(5):1041-9). In addition to the clinical data presented in the literature, since frameshifts are typically deleterious in nature, this alteration is interpreted as a disease-causing mutation (ACMG Recommendations for Standards for Interpretation and Reporting of Sequence Variations. Revision 2007. Genet Med. 2008;10:294).

Consortium of Investigators of Modifiers of BRCA1/2 (CIMBA), c/o University of Cambridge
Classification: Pathogenic for Breast-ovarian cancer, familial, susceptibility to, 1. Last evaluated: 2015-10-02. Review status: criteria provided, single submitter. Criteria: CIMBA Mutation Classification guidelines May 2016. Collection method: clinical testing. Allele origin: germline. Not counted in ClinVar's aggregate classification.

Literature cited by the submitters: PubMed 20104584 (cited by Labcorp Genetics (formerly Invitae), Labcorp); PubMed 9150151 (cited by Labcorp Genetics (formerly Invitae), Labcorp and Ambry Genetics); PubMed 29446198 (cited by Labcorp Genetics (formerly Invitae), Labcorp); PubMed 21305653 (cited by Ambry Genetics).

NM_007294.4(BRCA1):c.2212_2215del (p.Val738fs)

Gene: BRCA1 (BRCA1 DNA repair associated; minus strand). Cytogenetic location: 17q21.31.
Variant type: Deletion.
Coding change: c.2212_2215del on transcript NM_007294.4 (MANE Select); coding-DNA positions 2212 to 2215, 4 bases deleted (GTTA; older notation c.2212_2215delGTTA).
Protein change: p.Val738fs; shifts the reading frame from valine 738.
Molecular consequence: frameshift variant. On other transcripts: intron variant (137).
Genome position (GRCh38, 1-based): chr17:43,093,316-43,093,319, TAAC deleted on the plus strand (GTTA on the coding strand, the reverse complement: BRCA1 is on the minus strand); deleting any 4 consecutive bases within chr17:43,093,316-43,093,320 gives the same sequence; the c. name uses the placement nearest the transcript's 3' end. VCF-style (leftmost placement, unchanged base first): chr17-43093315-TTAAC-T. GRCh37 (hg19) VCF-style: chr17-41245332-TTAAC-T.
Other names: 2331delGTTA; c.2212_2215delGTTA (NM_007294.3); c.1999_2002del, p.Val667fs (NM_001407571.1, NM_001407853.1, NM_001407894.1 and 9 more transcripts); c.2212_2215del, p.Val738fs (NM_001407581.1, NM_001407582.1, NM_001407583.1 and 30 more transcripts); c.787+1425_787+1428del (NM_001407982.1, NM_001407970.1, NM_001407980.1 and 17 more transcripts); c.2209_2212del, p.Val737fs (NM_001407587.1, NM_001407590.1, NM_001407591.1 and 22 more transcripts); c.2203_2206del, p.Val735fs (NM_001407646.1, NM_001407647.1); c.2089_2092del, p.Val697fs (NM_001407648.1, NM_001407664.1, NM_001407665.1 and 19 more transcripts); and 43 more; short protein forms V691fs, V738fs, V442fs, V570fs, V649fs, V668fs, V670fs, V712fs.
Identifiers: ClinVar variation 54502 (VCV000054502.22), dbSNP rs397508951, ClinGen allele CA001480.